The following is an entry in ClinVar:

NM_003119.4(SPG7):c.1046G>T (p.Gly349Val)

Gene: SPG7 (SPG7 matrix AAA peptidase subunit, paraplegin; plus strand). Cytogenetic location: 16q24.3.
Variant type: single nucleotide variant.
Coding change: c.1046G>T on transcript NM_003119.4 (MANE Select); coding-DNA position 1046, G replaced by T.
Protein change: p.Gly349Val; replaces glycine 349 with valine.
Molecular consequence: missense variant.
Genome position (GRCh38, 1-based): chr16:89,531,962, G>T. VCF-style: chr16-89531962-G-T. GRCh37 (hg19) VCF-style: chr16-89598370-G-T.
Other names: c.1046G>T, p.Gly349Val (NM_001363850.1, NM_199367.3); short protein forms G349V.
Identifiers: ClinVar variation 1344124 (VCV001344124.5), dbSNP rs1387985266, ClinGen allele CA397420130.

ClinVar aggregate classification (germline): Conflicting classifications of pathogenicity. Review status: criteria provided, conflicting classifications (1 of 4 stars). 3 submissions from 3 submitters: Likely pathogenic (1); Uncertain significance (2). Last evaluated 2025-06-12.

Conditions:
SPG7-related disorder. Also called: SPG7-related condition.
Hereditary spastic paraplegia. Also called: Familial spastic paraparesis. Identifiers: Orphanet 685, MedGen C0037773, MONDO:0019064. Disease mechanism: loss of function.
Hereditary spastic paraplegia 7 (SPG7). Also called: SPG7-related neurologic disorder; Spastic paraplegia 7; Hereditary spastic paraplegia Paraplegin type; Autosomal recessive spastic paraplegia type 7; SPASTIC PARAPLEGIA 7, AUTOSOMAL RECESSIVE, WITH OR WITHOUT CEREBELLAR ATAXIA. Identifiers: Orphanet 99013, MedGen C1846564, MONDO:0011803, OMIM 607259.

Allele frequency attached by ClinVar (database versions not stated): gnomAD 0.00001.
gnomAD v4.1: 3 of 1,613,618 alleles (0.00019%); highest among the groups gnomAD compares: Non-Finnish European, 0.00025%; no homozygotes.

Submissions (3):

Labcorp Genetics (formerly Invitae), Labcorp
Classification: Uncertain significance for Hereditary spastic paraplegia 7. Last evaluated: 2025-06-12. Review status: criteria provided, single submitter. Criteria: Invitae Variant Classification Sherloc (09022015). Collection method: clinical testing. Allele origin: germline.
Comment: This sequence change replaces glycine, which is neutral and non-polar, with valine, which is neutral and non-polar, at codon 349 of the SPG7 protein (p.Gly349Val). This variant is present in population databases (no rsID available, gnomAD 0.007%). This variant has not been reported in the literature in individuals affected with SPG7-related conditions. ClinVar contains an entry for this variant (Variation ID: 1344124). Invitae Evidence Modeling of protein sequence and biophysical properties (such as structural, functional, and spatial information, amino acid conservation, physicochemical variation, residue mobility, and thermodynamic stability) indicates that this missense variant is expected to disrupt SPG7 protein function with a positive predictive value of 80%. This variant disrupts the p.Gly349 amino acid residue in SPG7. Other variant(s) that disrupt this residue have been determined to be pathogenic (PMID: 18799786, 20186691, 21623769, 22964162, 23065789, 23269439). This suggests that this residue is clinically significant, and that variants that disrupt this residue are likely to be disease-causing. In summary, the available evidence is currently insufficient to determine the role of this variant in disease. Therefore, it has been classified as a Variant of Uncertain Significance.

Blueprint Genetics
Classification: Likely pathogenic for SPG7-related disorders. Last evaluated: 2024-11-22. Review status: criteria provided, single submitter. Criteria: ACMG Guidelines, 2015. Collection method: clinical testing. Allele origin: germline. Affected: yes. Observed: 5 variant alleles.

Genome Diagnostics Laboratory, The Hospital for Sick Children
Classification: Uncertain significance for Hereditary spastic paraplegia. Last evaluated: 2016-12-12. Review status: criteria provided, single submitter. Criteria: ACMG Guidelines, 2015. Collection method: clinical testing. Allele origin: germline. Affected: yes.

Literature cited by the submitters: PubMed 18799786 (cited by Labcorp Genetics (formerly Invitae), Labcorp); PubMed 20186691 (cited by Labcorp Genetics (formerly Invitae), Labcorp); PubMed 21623769 (cited by Labcorp Genetics (formerly Invitae), Labcorp); PubMed 22964162 (cited by Labcorp Genetics (formerly Invitae), Labcorp); PubMed 23065789 (cited by Labcorp Genetics (formerly Invitae), Labcorp); PubMed 23269439 (cited by Labcorp Genetics (formerly Invitae), Labcorp).